The following is an entry in ClinVar:

NM_152443.3(RDH12):c.344-43_421del

Genes: RDH12 (retinol dehydrogenase 12; plus strand), GPHN (gephyrin; plus strand). Cytogenetic location: 14q24.1.
Variant type: Deletion.
Coding change: c.344-43_421del on transcript NM_152443.3 (MANE Select); 43 bases into the intron before coding-DNA position 344 through coding-DNA position 421, 121 bases deleted.
Molecular consequence: splice acceptor variant.
Genome position (GRCh38, 1-based): chr14:67,726,008-67,726,128, 121 bases deleted. GRCh37 (hg19): chr14:68,192,725-68,192,845.
Identifiers: ClinVar variation 2097799 (VCV002097799.4), dbSNP rs2503804130, ClinGen allele CA2580088598.

ClinVar aggregate classification (germline): Pathogenic (1 of 4 stars; one submission).

Conditions:
Leber congenital amaurosis 13 (LCA13). Identifiers: MedGen C2675186, MONDO:0012990, OMIM 612712.

Submission:

Labcorp Genetics (formerly Invitae), Labcorp
Classification: Pathogenic for Leber congenital amaurosis 13. Last evaluated: 2022-02-15. Review status: criteria provided, single submitter. Criteria: Invitae Variant Classification Sherloc (09022015). Collection method: clinical testing. Allele origin: germline.
Comment: For these reasons, this variant has been classified as Pathogenic. This variant disrupts a region of the RDH12 protein in which other variant(s) (p.Ala126Val) have been determined to be pathogenic (PMID: 19140180, 30134391). This suggests that this is a clinically significant region of the protein, and that variants that disrupt it are likely to be disease-causing. This variant results in the deletion of part of exon 6 (c.344-43_421del) of the RDH12 gene. It is expected to disrupt RNA splicing. Variants that disrupt the donor or acceptor splice site typically lead to a loss of protein function (PMID: 16199547), and loss-of-function variants in RDH12 are known to be pathogenic (PMID: 17964524, 22065924). This variant is not present in population databases (gnomAD no frequency). This variant has not been reported in the literature in individuals affected with RDH12-related conditions.

Literature cited by the submitters: PubMed 19140180; PubMed 30134391; PubMed 16199547; PubMed 17964524; PubMed 22065924.